The following is an entry in ClinVar:

ClinVar aggregate classification (germline): Uncertain significance (1 of 4 stars; one submission).

gnomAD v4.1: 18 of 1,612,794 alleles (0.0011%); highest among the groups gnomAD compares: Non-Finnish European, 0.0015%; no homozygotes.

Submission:

Ambry Genetics
Classification: Uncertain significance. Last evaluated: 2026-06-24. Review status: criteria provided, single submitter. Criteria: Ambry Variant Classification Scheme 2023. Collection method: clinical testing. Allele origin: germline.
Comment: The c.1660G>T (p.G554C) alteration is located in exon 16 (coding exon 16) of the PPP2R5C gene. This alteration results from a G to T substitution at nucleotide position 1660, causing the glycine (G) at amino acid position 554 to be replaced by a cysteine (C). Based on data from gnomAD, the T allele has an overall frequency of 0.003% (1/31358) total alleles studied. The highest observed frequency was 0.007% (1/15410) of European (non-Finnish) alleles. Based on insufficient or conflicting evidence, the clinical significance of this alteration remains unclear.

NM_001352913.2(PPP2R5C):c.1732G>T (p.Gly578Cys)

Gene: PPP2R5C (protein phosphatase 2 regulatory subunit B'gamma; plus strand). Cytogenetic location: 14q32.31.
Variant type: single nucleotide variant.
Coding change: c.1732G>T on transcript NM_001352913.2 (MANE Select); coding-DNA position 1732, G replaced by T.
Protein change: p.Gly578Cys; replaces glycine 578 with cysteine.
Molecular consequence: missense variant.
Genome position (GRCh38, 1-based): chr14:101,925,264, G>T. VCF-style: chr14-101925264-G-T. GRCh37 (hg19) VCF-style: chr14-102391601-G-T.
Other names: c.1660G>T, p.Gly554Cys (NM_001161725.2); c.1615G>T, p.Gly539Cys (NM_001161726.2); c.1450G>T, p.Gly484Cys (NM_001352912.1, NM_178586.3); c.1630G>T, p.Gly544Cys (NM_001352914.2); c.1342G>T, p.Gly448Cys (NM_001352915.2); c.1225G>T, p.Gly409Cys (NM_001352916.2); c.1567G>T, p.Gly523Cys (NM_002719.4); short protein forms G523C, G554C, G448C, G539C, G544C, G409C, G484C, G578C.
Identifiers: ClinVar variation 5027236 (VCV005027236.1).